The following is an entry in ClinVar:

ClinVar aggregate classification (germline): Uncertain significance (1 of 4 stars; one submission).

Conditions:
Dystonia 5 (DRD). Also called: DYSTONIA, PROGRESSIVE, WITH DIURNAL VARIATION; DYSTONIA-PARKINSONISM WITH DIURNAL FLUCTUATION; GTP Cyclohydrolase 1-Deficient Dopa-Responsive Dystonia; Dystonia, DOPA-responsive, with or without hyperphenylalaninemia; DYT-GCH1. Identifiers: Orphanet 98808, MedGen C1851920, MONDO:0007495, OMIM 128230.

Submission:

Laboratorio de Genetica e Diagnostico Molecular, Hospital Israelita Albert Einstein
Classification: Uncertain significance for Dystonia 5. Last evaluated: 2022-03-08. Review status: criteria provided, single submitter. Criteria: ACMG Guidelines, 2015. Collection method: clinical testing. Allele origin: germline. Affected: yes. Observed: 1 variant allele.
Comment: ACMG classification criteria: PM2, PP3 supporting

NM_000161.3(GCH1):c.275T>C (p.Leu92Pro)

Gene: GCH1 (GTP cyclohydrolase 1; minus strand). Cytogenetic location: 14q22.2.
Variant type: single nucleotide variant.
Coding change: c.275T>C on transcript NM_000161.3 (MANE Select); coding-DNA position 275, T replaced by C.
Protein change: p.Leu92Pro; replaces leucine 92 with proline.
Molecular consequence: missense variant.
Genome position (GRCh38, 1-based): chr14:54,902,389, A>G on the plus strand (T>C on the coding strand, the complement: GCH1 is on the minus strand). VCF-style: chr14-54902389-A-G. GRCh37 (hg19) VCF-style: chr14-55369107-A-G.
Other names: c.275T>C, p.Leu92Pro (NM_001024024.2, NM_001024070.2, NM_001024071.2); short protein forms L92P.
Identifiers: ClinVar variation 2431742 (VCV002431742.1), dbSNP rs2504539308, ClinGen allele CA389793709.